The following is an entry in ClinVar:

NM_032977.4(CASP10):c.155del (p.Leu52fs)

Gene: CASP10 (caspase 10; plus strand). Cytogenetic location: 2q33.1.
Variant type: Deletion.
Coding change: c.155del on transcript NM_032977.4 (MANE Select); coding-DNA position 155, one base deleted (T; older notation c.155delT).
Protein change: p.Leu52fs; shifts the reading frame from leucine 52.
Molecular consequence: frameshift variant.
Genome position (GRCh38, 1-based): chr2:201,185,932, T deleted. VCF-style (leftmost placement, unchanged base first): chr2-201185931-CT-C. GRCh37 (hg19) VCF-style: chr2-202050654-CT-C.
Other names: c.155del, p.Leu52fs (NM_001206524.2, NM_001206542.2, NM_001230.5 and 3 more transcripts); short protein forms L52fs.
Identifiers: ClinVar variation 3753495 (VCV003753495.2).

ClinVar aggregate classification (germline): Uncertain significance (1 of 4 stars; one submission).

Conditions:
Autoimmune lymphoproliferative syndrome type 2A (ALPS2A). Also called: CASP10-Related Autoimmune Lymphoproliferative Syndrome; AUTOIMMUNE LYMPHOPROLIFERATIVE SYNDROME, TYPE IIA; Autoimmune lymphoproliferative syndrome type 2. Identifiers: Orphanet 3261, MedGen C1858968, MONDO:0011383, OMIM 603909.

Submission:

Labcorp Genetics (formerly Invitae), Labcorp
Classification: Uncertain significance for Autoimmune lymphoproliferative syndrome type 2A. Last evaluated: 2024-03-16. Review status: criteria provided, single submitter. Criteria: Invitae Variant Classification Sherloc (09022015). Collection method: clinical testing. Allele origin: germline.
Comment: This sequence change creates a premature translational stop signal (p.Leu52Argfs*20) in the CASP10 gene. It is expected to result in an absent or disrupted protein product. However, the current clinical and genetic evidence is not sufficient to establish whether loss-of-function variants in CASP10 cause disease. This variant is not present in population databases (gnomAD no frequency). This variant has not been reported in the literature in individuals affected with CASP10-related conditions. In summary, the available evidence is currently insufficient to determine the role of this variant in disease. Therefore, it has been classified as a Variant of Uncertain Significance.